The following is an entry in ClinVar:

NM_015346.4(ZFYVE26):c.2668C>G (p.Gln890Glu)

Gene: ZFYVE26 (zinc finger FYVE-type containing 26; minus strand). Cytogenetic location: 14q24.1.
Variant type: single nucleotide variant.
Coding change: c.2668C>G on transcript NM_015346.4 (MANE Select); coding-DNA position 2668, C replaced by G.
Protein change: p.Gln890Glu; replaces glutamine 890 with glutamic acid.
Molecular consequence: missense variant.
Genome position (GRCh38, 1-based): chr14:67,790,659, G>C on the plus strand (C>G on the coding strand, the complement: ZFYVE26 is on the minus strand). VCF-style: chr14-67790659-G-C. GRCh37 (hg19) VCF-style: chr14-68257376-G-C.
Other names: short protein forms Q890E.
Identifiers: ClinVar variation 1714755 (VCV001714755.6), dbSNP rs2502832523, ClinGen allele CA390173929.

ClinVar aggregate classification (germline): Uncertain significance (1 of 4 stars; one submission).

Conditions:
Spastic paraplegia. Identifiers: MedGen C0037772, HP:0001258.

Submission:

Labcorp Genetics (formerly Invitae), Labcorp
Classification: Uncertain significance for Spastic paraplegia. Last evaluated: 2022-10-28. Review status: criteria provided, single submitter. Criteria: Invitae Variant Classification Sherloc (09022015). Collection method: clinical testing. Allele origin: germline.
Comment: In summary, the available evidence is currently insufficient to determine the role of this variant in disease. Therefore, it has been classified as a Variant of Uncertain Significance. This sequence change replaces glutamine, which is neutral and polar, with glutamic acid, which is acidic and polar, at codon 890 of the ZFYVE26 protein (p.Gln890Glu). This variant is not present in population databases (gnomAD no frequency). This variant has not been reported in the literature in individuals affected with ZFYVE26-related conditions. Algorithms developed to predict the effect of missense changes on protein structure and function (SIFT, PolyPhen-2, Align-GVGD) all suggest that this variant is likely to be tolerated.